The following is an entry in ClinVar:

NM_001854.4(COL11A1):c.3590_3591insG (p.Ile1197fs)

Gene: COL11A1 (collagen type XI alpha 1 chain; minus strand). Cytogenetic location: 1p21.1.
Variant type: Insertion.
Coding change: c.3590_3591insG on transcript NM_001854.4 (MANE Select); coding-DNA positions 3590 to 3591, G inserted.
Protein change: p.Ile1197fs; shifts the reading frame from isoleucine 1197.
Molecular consequence: frameshift variant. On other transcripts: non-coding transcript variant (1).
Genome position: GRCh38 VCF-style: chr1-102934458-T-TC. GRCh37 (hg19) VCF-style: chr1-103400014-T-TC.
Other names: c.3473_3474insG, p.Ile1158fs (NM_001190709.2); c.3626_3627insG, p.Ile1209fs (NM_080629.3); c.3242_3243insG, p.Ile1081fs (NM_080630.4); short protein forms I1081fs, I1158fs, I1197fs, I1209fs.
Identifiers: ClinVar variation 3375475 (VCV003375475.2).

ClinVar aggregate classification (germline): Likely pathogenic (1 of 4 stars; one submission).

Conditions:
Stickler syndrome type 2 (STL2). Also called: STICKLER SYNDROME, TYPE II; STICKLER SYNDROME, BEADED VITREOUS TYPE; STICKLER SYNDROME, VITREOUS TYPE 2; COL11A1-Related Stickler Syndrome. Identifiers: Orphanet 828, Orphanet 90654, MedGen C1858084, MONDO:0011493, OMIM 604841.

Submission:

Equipe Genetique des Anomalies du Developpement, Université de Bourgogne
Classification: Likely pathogenic for Stickler syndrome type 2. Last evaluated: 2024-09-04. Review status: criteria provided, single submitter. Criteria: ACMG Guidelines, 2015. Collection method: clinical testing. Allele origin: maternal. Affected: yes.
Comment: The insertion of a nucleotide causes a shift in the reading frame resulting in a premature stop codon in the COL11A1 gene. This variant is absent from gnomAD (v4.1.0) and has not been previously reported in ClinVar. Pathogenic monoallelic variants in this gene are responsible for various syndromes, including Stickler syndrome type 2 (OMIM #604841). In literature, variants resulting in a premature stop codon have been reported with a milder phenotype (PMID: 20301479 ; 32756486). According to available evidence, this variant is considered to be likely pathogenic.

Literature cited by the submitters: PubMed 20301479; PubMed 32756486.